The following is an entry in ClinVar:

NM_021729.6(VPS11):c.111C>G (p.Ser37=)

Genes: VPS11 (VPS11 core subunit of CORVET and HOPS complexes; plus strand), LOC130006887 (ATAC-STARR-seq lymphoblastoid active region 5620; plus strand). Cytogenetic location: 11q23.3.
Variant type: single nucleotide variant.
Coding change: c.111C>G on transcript NM_021729.6 (MANE Select); coding-DNA position 111, C replaced by G.
Protein change: p.Ser37=; no amino-acid change (serine 37 retained).
Molecular consequence: synonymous variant. On other transcripts: 5 prime UTR variant (1), non-coding transcript variant (8).
Genome position (GRCh38, 1-based): chr11:119,067,934, C>G. VCF-style: chr11-119067934-C-G. GRCh37 (hg19) VCF-style: chr11-118938645-C-G.
Other names: c.-135C>G (NM_001290185.2); c.111C>G, p.Ser37= (NM_001378218.1, NM_001378219.1, NM_001378220.1).
Identifiers: ClinVar variation 1568930 (VCV001568930.9), dbSNP rs574843205, ClinGen allele CA229658367.
Genomic context (GRCh38, chr11:119,067,934, plus strand): 5'-GGTGAAGGAGCCGCTGAGCAATGATGGGGCCGCTCCCGGGGCCACACCTGCTTCTGGATC[C>G]GCTGCTTCCAAGTTCCTTTGCCTCCCTCCTGGCATCACTGTCTGCGACTCAGGCCGAGGG-3'
Protein context (NP_068375.3, residues 27-47): AAPGATPASG[Ser37=]AASKFLCLPP

ClinVar aggregate classification (germline): Likely benign. Review status: criteria provided, multiple submitters, no conflicts (2 of 4 stars). 2 submissions from 2 submitters: Likely benign (2). Last evaluated 2026-03-09.

gnomAD v4.1: 21 of 1,612,030 alleles (0.0013%); highest among the groups gnomAD compares: Admixed American, 0.0067%; no homozygotes.

Submissions (2):

Women's Health and Genetics/Laboratory Corporation of America, LabCorp
Classification: Likely benign. Last evaluated: 2026-03-09. Review status: criteria provided, single submitter. Criteria: LabCorp Variant Classification Summary - May 2015. Collection method: clinical testing. Allele origin: germline.
Comment: Variant summary: VPS11 c.111C>G results in a synonymous change. Consensus agreement among computation tools predict no significant impact on normal splicing. However, these predictions have yet to be confirmed by functional studies. The variant allele was found at a frequency of 1.2e-05 in 245214 control chromosomes. The available data on variant occurrences in the general population are insufficient to allow any conclusion about variant significance. To our knowledge, no occurrence of c.111C>G in individuals affected with VPS11-related conditions and no experimental evidence demonstrating its impact on protein function have been reported. ClinVar contains an entry for this variant (Variation ID: 1568930). Based on the evidence outlined above, the variant was classified as likely benign.

Labcorp Genetics (formerly Invitae), Labcorp
Classification: Likely benign. Last evaluated: 2026-01-26. Review status: criteria provided, single submitter. Criteria: Invitae Variant Classification Sherloc (09022015). Collection method: clinical testing. Allele origin: germline.